The following is an entry in ClinVar:

NM_004333.6(BRAF):c.77_82dup (p.Ala27_Gly28insGluAla)

Gene: BRAF (B-Raf proto-oncogene, serine/threonine kinase; minus strand). Cytogenetic location: 7q34.
Variant type: Duplication.
Coding change: c.77_82dup on transcript NM_004333.6 (MANE Select); coding-DNA positions 77 to 82, 6 bases duplicated (AGGCCG; older notation c.77_82dupAGGCCG).
Protein change: p.Ala27_Gly28insGluAla.
Molecular consequence: inframe insertion.
Genome position (GRCh38, 1-based): chr7:140,924,622-140,924,627, CGGCCT duplicated on the plus strand (AGGCCG on the coding strand, the reverse complement: BRAF is on the minus strand); duplicating any 6 consecutive bases within chr7:140,924,622-140,924,630 gives the same sequence; the c. name uses the placement nearest the transcript's 3' end. VCF-style (leftmost placement, unchanged base first): chr7-140924621-C-CCGGCCT. GRCh37 (hg19) VCF-style: chr7-140624421-C-CCGGCCT.
Other names: c.77_82dup, p.Ala27_Gly28insGluAla (NM_001354609.2, NM_001374244.1, NM_001374258.1 and 7 more transcripts).
Identifiers: ClinVar variation 2753403 (VCV002753403.3), dbSNP rs1268265299, ClinGen allele CA578391227.

ClinVar aggregate classification (germline): Uncertain significance (1 of 4 stars; one submission).

Conditions:
RASopathy. Also called: Noonan spectrum disorder; rasopathies. Identifiers: Orphanet 536391, MedGen C5555857, MONDO:0021060.

Submission:

Labcorp Genetics (formerly Invitae), Labcorp
Classification: Uncertain significance for RASopathy. Last evaluated: 2025-09-02. Review status: criteria provided, single submitter. Criteria: Invitae Variant Classification Sherloc (09022015). Collection method: clinical testing. Allele origin: germline.
Comment: This variant, c.77_82dup, results in the insertion of 2 amino acid(s) of the BRAF protein (p.Glu26_Ala27dup), but otherwise preserves the integrity of the reading frame. This variant is present in population databases (no rsID available, gnomAD 0.01%). This variant has not been reported in the literature in individuals affected with BRAF-related conditions. ClinVar contains an entry for this variant (Variation ID: 2753403). Experimental studies and prediction algorithms are not available or were not evaluated, and the functional significance of this variant is currently unknown. In summary, the available evidence is currently insufficient to determine the role of this variant in disease. Therefore, it has been classified as a Variant of Uncertain Significance.